The following is an entry in ClinVar:

ClinVar aggregate classification (germline): Likely benign (1 of 4 stars; one submission).

Submission:

CeGaT Center for Human Genetics Tuebingen
Classification: Likely benign. Last evaluated: 2026-01-01. Review status: criteria provided, single submitter. Criteria: CeGaT Center For Human Genetics Tuebingen Variant Classification Criteria Version 2. Collection method: clinical testing. Allele origin: germline. Affected: yes. Observed: 1 variant allele.
Comment: MAST3: BP5

NM_001393504.1(MAST3):c.72-310T>C

Gene: MAST3 (microtubule associated serine/threonine kinase 3; plus strand). Cytogenetic location: 19p13.11.
Variant type: single nucleotide variant.
Coding change: c.72-310T>C on transcript NM_001393504.1 (MANE Select); 310 bases into the intron before coding-DNA position 72, T replaced by C.
Molecular consequence: intron variant. On other transcripts: missense variant (4).
Genome position (GRCh38, 1-based): chr19:18,110,342, T>C. VCF-style: chr19-18110342-T-C. GRCh37 (hg19) VCF-style: chr19-18221152-T-C.
Other names: c.23T>C, p.Leu8Pro (NM_001393503.1, NM_001393505.1, NM_001393507.1 and 1 more transcripts); c.72-310T>C (NM_001393501.1, NM_001393502.1); c.71+2724T>C (NM_001393508.1, NM_001393516.1, NM_001393514.1 and 6 more transcripts); short protein forms L8P.
Identifiers: ClinVar variation 4823078 (VCV004823078.4).